The following is an entry in ClinVar:

NM_005751.5(AKAP9):c.10628A>G (p.Asp3543Gly)

Gene: AKAP9 (A-kinase anchoring protein 9; plus strand). Cytogenetic location: 7q21.2.
Variant type: single nucleotide variant.
Coding change: c.10628A>G on transcript NM_005751.5 (MANE Select); coding-DNA position 10628, A replaced by G.
Protein change: p.Asp3543Gly; replaces aspartic acid 3543 with glycine.
Molecular consequence: missense variant.
Genome position (GRCh38, 1-based): chr7:92,098,129, A>G. VCF-style: chr7-92098129-A-G. GRCh37 (hg19) VCF-style: chr7-91727443-A-G.
Other names: c.5273A>G, p.Asp1758Gly (NM_001379277.1); c.10604A>G, p.Asp3535Gly (NM_147185.3); short protein forms D1758G, D3535G, D3543G.
Identifiers: ClinVar variation 4826448 (VCV004826448.1).

ClinVar aggregate classification (germline): Uncertain significance (1 of 4 stars; one submission).

Conditions:
Cardiovascular phenotype. Identifiers: MedGen CN230736.

gnomAD v4.1: 4 of 1,610,606 alleles (0.00025%); highest among the groups gnomAD compares: Admixed American, 0.0017%; no homozygotes.

Submission:

Ambry Genetics
Classification: Uncertain significance for Cardiovascular phenotype. Last evaluated: 2026-03-12. Review status: criteria provided, single submitter. Criteria: Ambry Variant Classification Scheme 2023. Collection method: clinical testing. Allele origin: germline.
Comment: The p.D3543G variant (also known as c.10628A>G), located in coding exon 43 of the AKAP9 gene, results from an A to G substitution at nucleotide position 10628. The aspartic acid at codon 3543 is replaced by glycine, an amino acid with similar properties. This amino acid position is conserved. In addition, this alteration is predicted to be tolerated by in silico analysis. Based on the available evidence, the clinical significance of this variant remains unclear.